The following is an entry in ClinVar:

ClinVar aggregate classification (germline): Benign/Likely benign. Review status: criteria provided, multiple submitters, no conflicts (2 of 4 stars). 8 submissions from 8 submitters: Benign (6); Likely benign (2). Last evaluated 2026-02-02.

Conditions:
Charcot-Marie-Tooth disease. Also called: Charcot-Marie-Tooth Neuropathy; Charcot-Marie-Tooth Hereditary Neuropathy. Identifiers: Orphanet 166, MedGen C0007959, MONDO:0015626.
Charcot-Marie-Tooth disease type 4. Also called: Charcot-Marie-Tooth disease, type IV; Charcot-Marie-Tooth, Type 4. Identifiers: Orphanet 64749, MedGen C4082197, MONDO:0018995.
Charcot-Marie-Tooth disease type 4B2. Also called: Charcot-Marie-Tooth Neuropathy Type 4B2; CHARCOT-MARIE-TOOTH DISEASE, WITH FOCALLY FOLDED MYELIN SHEATHS, AUTOSOMAL RECESSIVE, TYPE 4B2; CMT 4B2; CHARCOT-MARIE-TOOTH DISEASE, DEMYELINATING, TYPE 4B2. Identifiers: Orphanet 99956, MedGen C1858278, MONDO:0011475, OMIM 604563.

Allele frequency attached by ClinVar (database versions not stated): gnomAD exomes 0.00083 and 0.00260; ExAC 0.00331; gnomAD 0.00986 and 0.01066; TOPMed 0.01102; ESP Exome Variant Server 0.01132; 1000 Genomes Project 0.01278; 1000 Genomes Project 30x 0.01359.
gnomAD v4.1: 2,782 of 1,613,820 alleles (0.17%); highest among the groups gnomAD compares: African/African-American, 3.3%; 44 homozygotes.

Submissions (8):

Labcorp Genetics (formerly Invitae), Labcorp
Classification: Benign for Charcot-Marie-Tooth disease type 4. Last evaluated: 2026-02-02. Review status: criteria provided, single submitter. Criteria: Invitae Variant Classification Sherloc (09022015). Collection method: clinical testing. Allele origin: germline.

ARUP Laboratories, Molecular Genetics and Genomics, ARUP Laboratories
Classification: Benign for Charcot-Marie-Tooth disease type 4B2. Last evaluated: 2024-10-15. Review status: criteria provided, single submitter. Criteria: ARUP Molecular Germline Variant Investigation Process 2024. Collection method: clinical testing. Allele origin: germline.

Athena Diagnostics
Classification: Benign. Last evaluated: 2018-11-08. Review status: criteria provided, single submitter. Criteria: Athena Diagnostics Criteria. Collection method: clinical testing. Allele origin: germline.

Mayo Clinic Laboratories, Mayo Clinic
Classification: Benign. Last evaluated: 2018-01-10. Review status: criteria provided, single submitter. Criteria: ACMG Guidelines, 2015. Collection method: clinical testing. Allele origin: germline. Observed: 9 variant alleles.

Illumina Laboratory Services, Illumina
Classification: Likely benign for Charcot-Marie-Tooth disease type 4B2. Last evaluated: 2017-04-27. Review status: criteria provided, single submitter. Criteria: ICSL Variant Classification Criteria 13 December 2019. Collection method: clinical testing. Allele origin: germline.
Comment: This variant was observed as part of a predisposition screen in an ostensibly healthy population. A literature search was performed for the gene, cDNA change, and amino acid change (where applicable). No publications were found based on this search. Allele frequency data from public databases allowed determination this variant is unlikely to cause disease. Therefore, this variant is classified as likely benign.

GeneDx
Classification: Benign. Last evaluated: 2016-06-22. Review status: criteria provided, single submitter. Criteria: GeneDx Variant Classification (06012015). Collection method: clinical testing. Allele origin: germline. Affected: yes.
Comment: This variant is considered likely benign or benign based on one or more of the following criteria: it is a conservative change, it occurs at a poorly conserved position in the protein, it is predicted to be benign by multiple in silico algorithms, and/or has population frequency not consistent with disease.

Breakthrough Genomics
Classification: Likely benign. Review status: criteria provided, single submitter. Criteria: ACMG Guidelines, 2015. Collection method: not provided. Allele origin: germline. Inheritance: Autosomal recessive inheritance. Affected: yes.

Molecular Genetics Laboratory, London Health Sciences Centre
Classification: Benign for Charcot-Marie-Tooth disease. Review status: criteria provided, single submitter. Criteria: ACMG Guidelines, 2015. Collection method: clinical testing. Allele origin: germline. Affected: yes.

NM_030962.4(SBF2):c.4533A>G (p.Thr1511=)

Genes: SBF2 (SET binding factor 2; minus strand), SBF2-AS1 (SBF2 antisense RNA 1; plus strand). Cytogenetic location: 11p15.4.
Variant type: single nucleotide variant.
Coding change: c.4533A>G on transcript NM_030962.4 (MANE Select); coding-DNA position 4533, A replaced by G.
Protein change: p.Thr1511=; no amino-acid change (threonine 1511 retained).
Molecular consequence: synonymous variant.
Genome position (GRCh38, 1-based): chr11:9,795,868, T>C on the plus strand (A>G on the coding strand, the complement: SBF2 is on the minus strand). VCF-style: chr11-9795868-T-C. GRCh37 (hg19) VCF-style: chr11-9817415-T-C.
Other names: p.Thr1511=; c.4629A>G, p.Thr1543= (NM_001386339.1); c.4404A>G, p.Thr1468= (NM_001386342.1).
Identifiers: ClinVar variation 306582 (VCV000306582.20), dbSNP rs79251068, ClinGen allele CA5880961.